The following is an entry in ClinVar:

NM_004183.4(BEST1):c.889C>T (p.Pro297Ser)

Genes: BEST1 (bestrophin 1; plus strand), FTH1 (ferritin heavy chain 1; minus strand). Cytogenetic location: 11q12.3.
Variant type: single nucleotide variant.
Coding change: c.889C>T on transcript NM_004183.4 (MANE Select); coding-DNA position 889, C replaced by T.
Protein change: p.Pro297Ser; replaces proline 297 with serine.
Molecular consequence: missense variant. On other transcripts: synonymous variant (1), non-coding transcript variant (1), intron variant (1).
Genome position (GRCh38, 1-based): chr11:61,959,519, C>T. VCF-style: chr11-61959519-C-T. GRCh37 (hg19) VCF-style: chr11-61726991-C-T.
Other names: c.709C>T, p.Pro237Ser (NM_001139443.3, NM_001300787.2); c.571C>T, p.Pro191Ser (NM_001363591.3); c.1092C>T, p.Thr364= (NM_001363592.2); c.-84C>T (NM_001363593.3); c.688-373C>T (NM_001300786.2); short protein forms P297S, P237S, P191S.
Identifiers: ClinVar variation 99766 (VCV000099766.55), dbSNP rs1805143, ClinGen allele CA227836.
Genomic context (GRCh38, chr11:61,959,519, plus strand): 5'-TTCTGCCTGAGGGTTTACAGAGCCTCACCTGTCCCCAAGGTGGCAGAGCAGCTCATCAAC[C>T]CCTTTGGAGAGGATGATGATGATTTTGAGACCAACTGGATTGTCGACAGGAATTTGCAGG-3'
Protein context (NP_004174.1, residues 287-307): WLKVAEQLIN[Pro297Ser]FGEDDDDFET

ClinVar aggregate classification (germline): Pathogenic/Likely pathogenic. Review status: criteria provided, multiple submitters, no conflicts (2 of 4 stars). 15 submissions from 14 submitters: Pathogenic (9); Likely pathogenic (2). 4 of the submissions do not count toward it. Last evaluated 2025-12-08.

Conditions:
BEST1-related dominant retinopathy. Identifiers: MedGen CN375913, MONDO:0700238.
BEST1-related disorder. Also called: BEST1-related condition; BEST1-related disorders. Identifiers: MedGen CN239200.
Retinal dystrophy. Also called: Inherited retinal dystrophy. Identifiers: Orphanet 71862, MedGen C0854723, MeSH D058499, MONDO:0019118, HP:0000556.
Autosomal recessive bestrophinopathy. Also called: Autosomal Recessive Bestrophinopathy (ARB). Identifiers: Orphanet 139455, MedGen C3888198, MONDO:0012733, OMIM 611809.
Autosomal dominant vitreoretinochoroidopathy. Also called: VITREORETINOCHOROIDOPATHY WITH MICROCORNEA, GLAUCOMA, AND CATARACT; VITREORETINOCHOROIDOPATHY, AUTOSOMAL DOMINANT, WITH NANOPHTHALMOS; Autosomal Dominant Vitreoretinochoroidopathy (ADVIRC). Identifiers: Orphanet 263347, Orphanet 3086, MedGen C3888099, MONDO:0008662, OMIM 193220.
Vitelliform macular dystrophy 2. Also called: Best vitelliform macular dystrophy, multifocal; MACULAR DEGENERATION, POLYMORPHIC VITELLINE; VITELLIFORM MACULAR DYSTROPHY, EARLY-ONSET; VITELLIFORM MACULAR DYSTROPHY, JUVENILE-ONSET; Best Macular Dystrophy; Best Vitelliform Macular Dystrophy (BVMD). Identifiers: Orphanet 1243, MedGen C2745945, MONDO:0007931, OMIM 153700.

Allele frequency attached by ClinVar (database versions not stated): gnomAD exomes below 0.00001; ExAC 0.00001.
gnomAD v4.1: 1 of 1,614,156 alleles (0.000062%); no homozygotes.

Submissions (15):

Research Institute for Ophthalmology and Vision Science, Shahid Beheshti University of Medical Sciences
Classification: Pathogenic for Autosomal recessive bestrophinopathy. Last evaluated: 2025-12-08. Review status: criteria provided, single submitter. Criteria: ACMG Guidelines, 2015. Collection method: research. Allele origin: inherited. Inheritance: Autosomal recessive inheritance. Affected: yes. Observed: 2 variant alleles.
Comment: This variant has been observed in affected offspring of a family. It has an extremely low frequency in the gnomAD v4.1.0 dataset. It is located in a mutational hotspot domain, and in silico predictions suggest a damaging effect of the variant. Different missense changes at the same codon have been reported as pathogenic or likely pathogenic, supported by substantial evidence. Several ClinVar submitters have reported the variant as pathogenic.

Institute of Human Genetics, University of Leipzig Medical Center
Classification: Pathogenic for Autosomal dominant vitreoretinochoroidopathy. Last evaluated: 2025-12-05. Review status: criteria provided, single submitter. Criteria: ACMG Guidelines, 2015. Collection method: clinical testing. Allele origin: unknown. Inheritance: Autosomal dominant inheritance. Affected: yes.
Comment: Criteria applied: PS4_MOD,PM1,PM5,PP1_MOD,PM2_SUP,PP3

Intergen Genetics and Rare Diseases Diagnosis Center
Classification: Pathogenic for BEST1-related dominant retinopathy. Last evaluated: 2025-12-01. Review status: criteria provided, single submitter. Criteria: ACMG Guidelines, 2015. Collection method: clinical testing. Allele origin: unknown. Inheritance: Autosomal dominant inheritance. Affected: yes. Observed: 1 heterozygote.
Comment: PM1,PM2, PP3_VS

Revvity Omics, Revvity
Classification: Pathogenic. Last evaluated: 2025-06-25. Review status: criteria provided, single submitter. Criteria: ACMG Guidelines, 2015. Collection method: clinical testing. Allele origin: germline.

Labcorp Genetics (formerly Invitae), Labcorp
Classification: Pathogenic. Last evaluated: 2025-04-17. Review status: criteria provided, single submitter. Criteria: Invitae Variant Classification Sherloc (09022015). Collection method: clinical testing. Allele origin: germline.
Comment: This sequence change replaces proline, which is neutral and non-polar, with serine, which is neutral and polar, at codon 297 of the BEST1 protein (p.Pro297Ser). This variant is present in population databases (rs1805143, gnomAD 0.01%). This missense change has been observed in individual(s) with autosomal dominant Best macular dystrophy (PMID: 13129869). It has also been observed to segregate with disease in related individuals. ClinVar contains an entry for this variant (Variation ID: 99766). Invitae Evidence Modeling of protein sequence and biophysical properties (such as structural, functional, and spatial information, amino acid conservation, physicochemical variation, residue mobility, and thermodynamic stability) indicates that this missense variant is expected to disrupt BEST1 protein function with a positive predictive value of 95%. For these reasons, this variant has been classified as Pathogenic.

3billion
Classification: Pathogenic for Autosomal recessive bestrophinopathy. Last evaluated: 2025-03-26. Review status: criteria provided, single submitter. Criteria: ACMG Guidelines, 2015. Collection method: clinical testing. Allele origin: germline. Affected: yes.
Comment: The variant is observed at an extremely low frequency in the gnomAD v4.1.0 dataset (total allele frequency: <0.001%). The variant is observed at an extremely low frequency in the gnomAD v4.1.0 dataset (total allele frequency: <0.001%). The variant is located in a mutational hot spot and/or well-established functional domain in which established pathogenic variants have been reported. In silico tool predictions suggest damaging effect of the variant on gene or gene product [REVEL: 0.99 (>=0.6, sensitivity 0.68 and specificity 0.92); 3Cnet: 0.99 (> 0.75, sensitivity 0.96 and precision 0.92)]. The same nucleotide change resulting in the same amino acid change has been previously reported as pathogenic/likely pathogenic with strong evidence (ClinVar ID: VCV000099766 / PMID: 10453731). Different missense changes at the same codon (p.Pro297Ala, p.Pro297His, p.Pro297Thr) have been reported as pathogenic/likely pathogenic with strong evidence (ClinVar ID: VCV000099765, VCV001351735 / PMID: 20057343, 9700209). Therefore, this variant is classified as Pathogenic according to the recommendation of ACMG/AMP guideline.

Blueprint Genetics
Classification: Pathogenic for BEST1-related disorders. Last evaluated: 2024-10-09. Review status: criteria provided, single submitter. Criteria: ACMG Guidelines, 2015. Collection method: clinical testing. Allele origin: germline. Affected: yes. Observed: 5 variant alleles.

CeGaT Center for Human Genetics Tuebingen
Classification: Pathogenic. Last evaluated: 2024-10-01. Review status: criteria provided, single submitter. Criteria: CeGaT Center For Human Genetics Tuebingen Variant Classification Criteria Version 2. Collection method: clinical testing. Allele origin: germline. Affected: yes. Observed: 6 variant alleles.
Comment: BEST1: PM1, PM2, PM5, PP1:Moderate, PS4:Moderate

Institute of Human Genetics, Univ. Regensburg, Univ. Regensburg
Classification: Likely pathogenic for Retinal dystrophy. Last evaluated: 2023-01-01. Review status: criteria provided, single submitter. Criteria: ACMG Guidelines, 2015. Collection method: clinical testing. Allele origin: germline. Affected: yes.

Institute of Medical Genetics and Applied Genomics, University Hospital Tübingen
Classification: Pathogenic for Vitelliform macular dystrophy 2. Last evaluated: 2022-12-15. Review status: criteria provided, single submitter. Criteria: ACMG Guidelines, 2015. Collection method: clinical testing. Allele origin: germline. Inheritance: Autosomal dominant inheritance. Affected: yes.

Genetics and Molecular Pathology, SA Pathology
Classification: Likely pathogenic for Vitelliform macular dystrophy 2. Last evaluated: 2022-01-15. Review status: criteria provided, single submitter. Criteria: ACMG Guidelines, 2015. Collection method: clinical testing. Allele origin: germline. Affected: yes.

Joint Genome Diagnostic Labs from Nijmegen and Maastricht, Radboudumc and MUMC+
Classification: Likely pathogenic for Vitelliform macular dystrophy 2. Last evaluated: 2016-09-01. Review status: no assertion criteria provided. Collection method: clinical testing. Allele origin: inherited. Affected: yes. Observed: 1 variant allele. Not counted in ClinVar's aggregate classification.

Clinical Genetics DNA and cytogenetics Diagnostics Lab, Erasmus MC, Erasmus Medical Center
Classification: Pathogenic. Review status: no assertion criteria provided. Collection method: clinical testing. Allele origin: germline. Affected: yes. Study: VKGL Data-share Consensus. Not counted in ClinVar's aggregate classification.

Joint Genome Diagnostic Labs from Nijmegen and Maastricht, Radboudumc and MUMC+
Classification: Likely pathogenic. Review status: no assertion criteria provided. Collection method: clinical testing. Allele origin: germline. Affected: yes. Study: VKGL Data-share Consensus. Not counted in ClinVar's aggregate classification.

Retina International
No classification provided. Review status: no classification provided. Collection method: not provided. Allele origin: not provided. Not counted in ClinVar's aggregate classification.

Literature cited by the submitters: PubMed 13129869 (cited by 3 submitters); PubMed 10453731 (cited by 3billion and Institute of Human Genetics, Univ. Regensburg, Univ. Regensburg); PubMed 20057343 (cited by 3billion); PubMed 32531858 (cited by Institute of Human Genetics, Univ. Regensburg, Univ. Regensburg); PubMed 34012682 (cited by Institute of Human Genetics, Univ. Regensburg, Univ. Regensburg); PubMed 34327816 (cited by Institute of Human Genetics, Univ. Regensburg, Univ. Regensburg).